The following is an entry in ClinVar:

ClinVar aggregate classification (germline): Uncertain significance (1 of 4 stars; one submission).

Conditions:
Epiphyseal dysplasia, multiple, 6. Also called: COL9A1-Related Multiple Epiphyseal Dysplasia. Identifiers: MedGen C2675767, MONDO:0013591, OMIM 614135.

Submission:

MVZ Medizinische Genetik Mainz
Classification: Uncertain significance for Epiphyseal dysplasia, multiple, 6. Last evaluated: 2026-05-12. Review status: criteria provided, single submitter. Criteria: UK Practice Guidelines For Variant Classification V4 01 2020. Collection method: clinical testing. Allele origin: germline. Inheritance: Autosomal dominant inheritance. Affected: yes. Observed: 1 variant allele.
Comment: ACMG Criteria: PVS1_MOD,PM2_SUP

NM_001851.6(COL9A1):c.1449+1G>A

Gene: COL9A1 (collagen type IX alpha 1 chain; minus strand). Cytogenetic location: 6q13.
Variant type: single nucleotide variant.
Coding change: c.1449+1G>A on transcript NM_001851.6 (MANE Select); the canonical splice donor site of the intron after coding-DNA position 1449, G replaced by A.
Molecular consequence: splice donor variant.
Genome position (GRCh38, 1-based): chr6:70,260,656, C>T on the plus strand (G>A on the coding strand, the complement: COL9A1 is on the minus strand). VCF-style: chr6-70260656-C-T. GRCh37 (hg19) VCF-style: chr6-70970359-C-T.
Other names: c.720+1G>A (NM_001377290.1, NM_078485.4, NM_001377289.1).
Identifiers: ClinVar variation 4852375 (VCV004852375.1).
Genomic context (GRCh38, chr6:70,260,656, plus strand): 5'-CGGCCAAAATTTTAAATATTTAACACATTTTGGTATTATATTATTGTCATCACCATCTTA[C>T]TTTTTCCCCTTTGTCCCCAACTATGCCGGTGATGCCTCGCAAACCCTGGGCTCCCTGGAA-3'